The following is an entry in ClinVar:

NM_018367.7(ACER3):c.436C>T (p.Gln146Ter)

Gene: ACER3 (alkaline ceramidase 3; plus strand). Cytogenetic location: 11q13.5.
Variant type: single nucleotide variant.
Coding change: c.436C>T on transcript NM_018367.7 (MANE Select); coding-DNA position 436, C replaced by T.
Protein change: p.Gln146Ter; replaces glutamine 146 with a stop codon.
Molecular consequence: nonsense.
Genome position (GRCh38, 1-based): chr11:76,990,572, C>T. VCF-style: chr11-76990572-C-T. GRCh37 (hg19) VCF-style: chr11-76701616-C-T.
Other names: NC_000011.9:g.76701616C>T; c.325C>T, p.Gln109Ter (NM_001300953.2); c.151C>T, p.Gln51Ter (NM_001300954.2, NM_001300955.2); short protein forms Q109*, Q146*, Q51*.
Identifiers: ClinVar variation 2635451 (VCV002635451.2), dbSNP rs1440353274, ClinGen allele CA381925845.
Genomic context (GRCh38, chr11:76,990,572, plus strand): 5'-ACATGTGTTTTTTCTAATATTTTGCAGGTTTACCTTAAGGTAAAAGAGCCGATATTCCAT[C>T]AGGTAATTTTTTGTAAATTATTACACATTAGATTGTTTACGATACATGGCTGCTTTGTGA-3'

ClinVar aggregate classification (germline): Pathogenic (1 of 4 stars; one submission).

Conditions:
ACER3-related disorder. Also called: ACER3-related condition.

Submissions (2):

PreventionGenetics, part of Exact Sciences
Classification: Pathogenic for ACER3-related condition. Last evaluated: 2022-12-02. Review status: criteria provided, single submitter. Criteria: ACMG Guidelines, 2015. Collection method: clinical testing. Allele origin: germline.
Comment: The ACER3 c.325C>T variant is predicted to result in premature protein termination (p.Gln109*). To our knowledge, this variant has not been reported in the literature or in a large population database, indicating this variant is rare. Nonsense variants in ACER3 are expected to be pathogenic. This variant is interpreted as pathogenic.

Dr. Peter K. Rogan Lab, Western University
No classification provided (evidence only). Condition: Familial cancer of breast. Review status: no classification provided. Collection method: in vitro. Allele origin: not applicable. Functional consequence: retained intron. Not counted in ClinVar's aggregate classification.